The following is an entry in ClinVar:

NM_000292.3(PHKA2):c.2401G>T (p.Val801Phe)

Gene: PHKA2 (phosphorylase kinase regulatory subunit alpha 2; minus strand). Cytogenetic location: Xp22.13.
Variant type: single nucleotide variant.
Coding change: c.2401G>T on transcript NM_000292.3 (MANE Select); coding-DNA position 2401, G replaced by T.
Protein change: p.Val801Phe; replaces valine 801 with phenylalanine.
Molecular consequence: missense variant.
Genome position (GRCh38, 1-based): chrX:18,908,016, C>A on the plus strand (G>T on the coding strand, the complement: PHKA2 is on the minus strand). VCF-style: chrX-18908016-C-A. GRCh37 (hg19) VCF-style: chrX-18926134-C-A.
Other names: short protein forms V801F.
Identifiers: ClinVar variation 2785643 (VCV002785643.3), dbSNP rs2518613864, ClinGen allele CA412383732.

ClinVar aggregate classification (germline): Uncertain significance (1 of 4 stars; one submission).

Conditions:
Glycogen storage disease IXa1. Also called: GLYCOGEN STORAGE DISEASE VIII; GSD VIII; Glycogen storage disease 8; LIVER GLYCOGENOSIS, X-LINKED, TYPE I. Identifiers: Orphanet 264580, MedGen C3694531, MONDO:0010598, OMIM 306000.

Submission:

Labcorp Genetics (formerly Invitae), Labcorp
Classification: Uncertain significance for Glycogen storage disease IXa1. Last evaluated: 2025-08-24. Review status: criteria provided, single submitter. Criteria: Invitae Variant Classification Sherloc (09022015). Collection method: clinical testing. Allele origin: germline.
Comment: This sequence change replaces valine, which is neutral and non-polar, with phenylalanine, which is neutral and non-polar, at codon 801 of the PHKA2 protein (p.Val801Phe). This variant is not present in population databases (gnomAD no frequency). This variant has not been reported in the literature in individuals affected with PHKA2-related conditions. ClinVar contains an entry for this variant (Variation ID: 2785643). Invitae Evidence Modeling of protein sequence and biophysical properties (such as structural, functional, and spatial information, amino acid conservation, physicochemical variation, residue mobility, and thermodynamic stability) indicates that this missense variant is not expected to disrupt PHKA2 protein function with a negative predictive value of 80%. In summary, the available evidence is currently insufficient to determine the role of this variant in disease. Therefore, it has been classified as a Variant of Uncertain Significance.